The following is an entry in ClinVar:

NM_001077415.3(CRELD1):c.196dup (p.Asp66fs)

Gene: CRELD1 (CRELD disulfide isomerase 1; plus strand). Cytogenetic location: 3p25.3.
Variant type: Duplication.
Coding change: c.196dup on transcript NM_001077415.3 (MANE Select); coding-DNA position 196, one base duplicated (G; older notation c.196dupG).
Protein change: p.Asp66fs; shifts the reading frame from aspartic acid 66.
Molecular consequence: frameshift variant. On other transcripts: non-coding transcript variant (3).
Genome position (GRCh38, 1-based): chr3:9,934,856, G duplicated; the last of 3 consecutive G bases (chr3:9,934,854-9,934,856); duplicating any one gives the same sequence. VCF-style (leftmost placement, unchanged base first): chr3-9934853-C-CG. GRCh37 (hg19) VCF-style: chr3-9976537-C-CG.
Other names: c.196dup, p.Asp66fs (NM_001031717.4, NM_001374316.1, NM_001374317.1 and 5 more transcripts); c.196dupG (NM_015513.4); short protein forms D66fs.
Identifiers: ClinVar variation 3360571 (VCV003360571.3).
Genomic context (GRCh38, chr3:9,934,853, plus strand): 5'-GCCAGGCACTGTACTTAGCTATTACTAATTTTCTGTTTCCAGGGCCTGGAGAGAACCATC[C>CG]GGGACAACTTTGGAGGTGGAAACACTGCCTGGGAGGAAGAGAATTTGTCCAAATACAAAG-3'

ClinVar aggregate classification (germline): Pathogenic/Likely pathogenic. Review status: criteria provided, multiple submitters, no conflicts (2 of 4 stars). 2 submissions from 2 submitters: Pathogenic (1); Likely pathogenic (1). Last evaluated 2025-10-09.

Conditions:
CRELD1-related disorder. Also called: CRELD1-related condition.

Submissions (2):

GeneDx
Classification: Pathogenic. Last evaluated: 2025-10-09. Review status: criteria provided, single submitter. Criteria: GeneDx Variant Classification Process June 2021. Collection method: clinical testing. Allele origin: germline.
Comment: Frameshift variant predicted to result in protein truncation or nonsense mediated decay in a gene for which loss of function is a known mechanism of disease; Not observed at significant frequency in large population cohorts (gnomAD); This variant is associated with the following publications: (PMID: 39313616, 37947183)

PreventionGenetics, part of Exact Sciences
Classification: Likely pathogenic for CRELD1-related condition. Last evaluated: 2025-01-03. Review status: criteria provided, single submitter. Criteria: ACMG Guidelines, 2015. Collection method: clinical testing. Allele origin: germline.
Comment: The CRELD1 c.196dupG variant is predicted to result in a frameshift and premature protein termination (p.Asp66Glyfs*22). This variant was reported, along with a second missense variant in the same gene, in an individual with neurodevelopmental disorder with cardiac arrhythmia and frequent infections (Jeffries et al. 2024. PubMed ID: 37947183). This variant is reported in 0.012% of alleles in individuals of Latino descent in gnomAD. Frameshift variants in CRELD1 are expected to be pathogenic. This variant is interpreted as likely pathogenic.